The following is an entry in ClinVar:

ClinVar aggregate classification (germline): Pathogenic (1 of 4 stars; one submission).

Submission:

Genetic Services Laboratory, University of Chicago
Classification: Pathogenic. Last evaluated: 2017-07-18. Review status: criteria provided, single submitter. Criteria: ACMG Guidelines, 2015. Collection method: clinical testing. Allele origin: germline. Affected: yes.
Comment: DNA sequence analysis of the DDX41 gene demonstrated a sequence change, c.1285C>T, which results in the creation of a premature stop codon at amino acid position 429, p.Gln429*. This sequence change has not been previously been described in patients with DDX41-related disorders and has also not been described as a known benign sequence change in the DDX41 gene. This pathogenic sequence change is predicted to result in an abnormal transcript, which may be degraded, or may lead to the production of a truncated DDX41 protein with potentially abnormal function. Germline pathogenic variants in the DDX41 have been identified in patients with late-onset MDS and AML characterized by long latency, normal karyotype, and poor prognosis. The germline DDX41 mutations strongly predispose to further somatic hits in the remaining healthy allele of this gene. Although the disease penetrance is currently unknown, a strong family history and late onset disease suggest high penetrance with long disease latency (Polprasert et al. 2015, Greenberg et al. 2017).

NM_016222.4(DDX41):c.1285C>T (p.Gln429Ter)

Gene: DDX41 (DEAD-box helicase 41; minus strand). Cytogenetic location: 5q35.3.
Variant type: single nucleotide variant.
Coding change: c.1285C>T on transcript NM_016222.4 (MANE Select); coding-DNA position 1285, C replaced by T.
Protein change: p.Gln429Ter; replaces glutamine 429 with a stop codon.
Molecular consequence: nonsense.
Genome position (GRCh38, 1-based): chr5:177,513,028, G>A on the plus strand (C>T on the coding strand, the complement: DDX41 is on the minus strand). VCF-style: chr5-177513028-G-A. GRCh37 (hg19) VCF-style: chr5-176940029-G-A.
Other names: c.907C>T, p.Gln303Ter (NM_001321732.2, NM_001321830.2); short protein forms Q303*, Q429*.
Identifiers: ClinVar variation 1338232 (VCV001338232.4), dbSNP rs2127436241, ClinGen allele CA362373483.